The following is an entry in ClinVar:

NM_001379451.1(BCORL1):c.5234G>C (p.Arg1745Thr)

Gene: BCORL1 (BCL6 corepressor like 1; plus strand). Cytogenetic location: Xq26.1.
Variant type: single nucleotide variant.
Coding change: c.5234G>C on transcript NM_001379451.1 (MANE Select); coding-DNA position 5234, G replaced by C.
Protein change: p.Arg1745Thr; replaces arginine 1745 with threonine.
Molecular consequence: missense variant.
Genome position (GRCh38, 1-based): chrX:130,056,012, G>C. VCF-style: chrX-130056012-G-C. GRCh37 (hg19) VCF-style: chrX-129189987-G-C.
Other names: c.5234G>C, p.Arg1745Thr (NM_001184772.3, NM_001379450.1); c.5012G>C, p.Arg1671Thr (NM_021946.5); short protein forms R1671T, R1745T.
Identifiers: ClinVar variation 3133561 (VCV003133561.2), dbSNP rs372065215, ClinGen allele CA10514839.
Genomic context (GRCh38, chrX:130,056,012, plus strand): 5'-TGCCCAAGGCCGAGTTCTACAGGCAGGTGGCCTCCAGTCAGCTGCTGACCCCTGCCGAGA[G>C]GCCTGGAGGCTTGGACGACAGATCCCCCCCAGGCTCCTCTGAGACTGTGGAGCTGGTGCG-3'
Protein context (NP_001366380.1, residues 1735-1755): ASSQLLTPAE[Arg1745Thr]PGGLDDRSPP

ClinVar aggregate classification (germline): Conflicting classifications of pathogenicity. Review status: criteria provided, conflicting classifications (1 of 4 stars). 2 submissions from 2 submitters: Uncertain significance (1); Likely benign (1). Last evaluated 2026-09-01.

Allele frequency attached by ClinVar (database versions not stated): gnomAD 0.00007; TOPMed 0.00007; ExAC 0.00009; ESP Exome Variant Server 0.00009; gnomAD exomes 0.00010.
gnomAD v4.1: 113 of 1,210,853 alleles (0.0093%); highest among the groups gnomAD compares: South Asian, 0.039%; no homozygotes.

Submissions (2):

CeGaT Center for Human Genetics Tuebingen
Classification: Likely benign. Last evaluated: 2026-09-01. Review status: criteria provided, single submitter. Criteria: CeGaT Center For Human Genetics Tuebingen Variant Classification Criteria Version 2. Collection method: clinical testing. Allele origin: germline. Affected: yes. Observed: 1 variant allele.
Comment: BCORL1: BP4, BS2

Ambry Genetics
Classification: Uncertain significance. Last evaluated: 2024-01-03. Review status: criteria provided, single submitter. Criteria: Ambry Variant Classification Scheme 2023. Collection method: clinical testing. Allele origin: germline.